The following is an entry in ClinVar:

ClinVar aggregate classification (germline): Uncertain significance (1 of 4 stars; one submission).

Allele frequency attached by ClinVar (database versions not stated): gnomAD 0.00001; ExAC 0.00002; TOPMed 0.00003; gnomAD exomes 0.00006; 1000 Genomes Project 30x 0.00016; 1000 Genomes Project 0.00020.
gnomAD v4.1: 82 of 1,612,338 alleles (0.0051%); highest among the groups gnomAD compares: Admixed American, 0.01%; no homozygotes.

Submission:

Labcorp Genetics (formerly Invitae), Labcorp
Classification: Uncertain significance. Last evaluated: 2023-10-22. Review status: criteria provided, single submitter. Criteria: Invitae Variant Classification Sherloc (09022015). Collection method: clinical testing. Allele origin: germline.
Comment: This sequence change replaces arginine, which is basic and polar, with tryptophan, which is neutral and slightly polar, at codon 421 of the CYP26B1 protein (p.Arg421Trp). This variant is present in population databases (rs571722272, gnomAD 0.01%). This variant has not been reported in the literature in individuals affected with CYP26B1-related conditions. Advanced modeling of protein sequence and biophysical properties (such as structural, functional, and spatial information, amino acid conservation, physicochemical variation, residue mobility, and thermodynamic stability) performed at Invitae indicates that this missense variant is not expected to disrupt CYP26B1 protein function. In summary, the available evidence is currently insufficient to determine the role of this variant in disease. Therefore, it has been classified as a Variant of Uncertain Significance.

NM_019885.4(CYP26B1):c.1261C>T (p.Arg421Trp)

Gene: CYP26B1 (cytochrome P450 family 26 subfamily B member 1; minus strand). Cytogenetic location: 2p13.2.
Variant type: single nucleotide variant.
Coding change: c.1261C>T on transcript NM_019885.4 (MANE Select); coding-DNA position 1261, C replaced by T.
Protein change: p.Arg421Trp; replaces arginine 421 with tryptophan.
Molecular consequence: missense variant.
Genome position (GRCh38, 1-based): chr2:72,132,505, G>A on the plus strand (C>T on the coding strand, the complement: CYP26B1 is on the minus strand). VCF-style: chr2-72132505-G-A. GRCh37 (hg19) VCF-style: chr2-72359634-G-A.
Other names: c.1036C>T, p.Arg346Trp (NM_001277742.2); short protein forms R346W, R421W.
Identifiers: ClinVar variation 2960669 (VCV002960669.3), dbSNP rs571722272, ClinGen allele CA1707793.